The following is an entry in ClinVar:

NM_006206.6(PDGFRA):c.1002T>G (p.His334Gln)

Gene: PDGFRA (platelet derived growth factor receptor alpha; plus strand). Cytogenetic location: 4q12.
Variant type: single nucleotide variant.
Coding change: c.1002T>G on transcript NM_006206.6 (MANE Select); coding-DNA position 1002, T replaced by G.
Protein change: p.His334Gln; replaces histidine 334 with glutamine.
Molecular consequence: missense variant.
Genome position (GRCh38, 1-based): chr4:54,267,622, T>G. VCF-style: chr4-54267622-T-G. GRCh37 (hg19) VCF-style: chr4-55133789-T-G.
Other names: c.1002T>G, p.His334Gln (NM_001347827.2, NM_001347829.2); c.1077T>G, p.His359Gln (NM_001347828.2); c.1041T>G, p.His347Gln (NM_001347830.2); short protein forms H334Q, H347Q, H359Q.
Identifiers: ClinVar variation 1428736 (VCV001428736.6), dbSNP rs2110266953, ClinGen allele CA356891587.

ClinVar aggregate classification (germline): Uncertain significance (1 of 4 stars; one submission).

Conditions:
Gastrointestinal stromal tumor. Also called: Gastrointestinal stroma tumor; Gastrointestinal stromal tumor, somatic. Identifiers: Orphanet 44890, MedGen C0238198, MeSH D046152, MONDO:0011719, OMIM 606764, HP:0100723.

Allele frequency attached by ClinVar (database versions not stated): gnomAD exomes below 0.00001.
gnomAD v4.1: 1 of 1,614,164 alleles (0.000062%); highest among the groups gnomAD compares: South Asian, 0.0011%; no homozygotes.

Submission:

Labcorp Genetics (formerly Invitae), Labcorp
Classification: Uncertain significance for Gastrointestinal stromal tumor. Last evaluated: 2024-05-16. Review status: criteria provided, single submitter. Criteria: Invitae Variant Classification Sherloc (09022015). Collection method: clinical testing. Allele origin: germline.
Comment: This sequence change replaces histidine, which is basic and polar, with glutamine, which is neutral and polar, at codon 334 of the PDGFRA protein (p.His334Gln). This variant is not present in population databases (gnomAD no frequency). This variant has not been reported in the literature in individuals affected with PDGFRA-related conditions. ClinVar contains an entry for this variant (Variation ID: 1428736). Advanced modeling of protein sequence and biophysical properties (such as structural, functional, and spatial information, amino acid conservation, physicochemical variation, residue mobility, and thermodynamic stability) performed at Invitae indicates that this missense variant is not expected to disrupt PDGFRA protein function with a negative predictive value of 80%. In summary, the available evidence is currently insufficient to determine the role of this variant in disease. Therefore, it has been classified as a Variant of Uncertain Significance.